The following is an entry in ClinVar:

ClinVar aggregate classification (germline): Benign/Likely benign. Review status: criteria provided, multiple submitters, no conflicts (2 of 4 stars). 7 submissions from 7 submitters: Benign (2); Likely benign (5). Last evaluated 2026-02-02.

Conditions:
Hereditary cancer-predisposing syndrome. Also called: Neoplastic Syndromes, Hereditary; Tumor predisposition; Hereditary Cancer Syndrome; Hereditary neoplastic syndrome. Identifiers: Orphanet 140162, MedGen C0027672, MeSH D009386, MONDO:0015356.
Tuberous sclerosis 2 (TSC2). Identifiers: Orphanet 805, MedGen C1860707, MONDO:0013199, OMIM 613254.
TSC2-related disorder. Also called: TSC2-Related Disorders; TSC2-related condition.
Tuberous sclerosis syndrome (TSC). Also called: Tuberous Sclerosis Complex; Tuberous sclerosis. Identifiers: Orphanet 805, MedGen C0041341, MONDO:0001734.

Allele frequency attached by ClinVar (database versions not stated): gnomAD 0.00002; ExAC 0.00003; gnomAD exomes 0.00003; TOPMed 0.00004.
gnomAD v4.1: 17 of 1,598,792 alleles (0.0011%); highest among the groups gnomAD compares: Admixed American, 0.005%; no homozygotes.

Submissions (7):

PreventionGenetics, part of Exact Sciences
Classification: Likely benign for TSC2-related condition. Last evaluated: 2026-02-02. Review status: criteria provided, single submitter. Criteria: ACMG Guidelines, 2015. Collection method: clinical testing. Allele origin: germline.
Comment: This variant is classified as likely benign based on ACMG/AMP sequence variant interpretation guidelines (Richards et al. 2015 PMID: 25741868, with internal and published modifications).

Labcorp Genetics (formerly Invitae), Labcorp
Classification: Likely benign for Tuberous sclerosis 2. Last evaluated: 2025-12-20. Review status: criteria provided, single submitter. Criteria: Invitae Variant Classification Sherloc (09022015). Collection method: clinical testing. Allele origin: germline.

Myriad Genetics, Inc.
Classification: Benign for Tuberous sclerosis 2. Last evaluated: 2025-06-03. Review status: criteria provided, single submitter. Criteria: Myriad Autosomal Dominant, Autosomal Recessive and X-Linked Classification Criteria (2023). Collection method: clinical testing. Allele origin: unknown.
Comment: This variant is considered benign. This variant is a silent/synonymous amino acid change and it is not expected to impact splicing.

All of Us Research Program, National Institutes of Health
Classification: Likely benign for Tuberous sclerosis syndrome. Last evaluated: 2023-10-02. Review status: criteria provided, single submitter. Criteria: ACMG Guidelines, 2015. Collection method: clinical testing. Allele origin: germline. Inheritance: Autosomal dominant inheritance. Observed: 6 variant alleles, 6 heterozygotes.
Comment: This study involves interpretation of variants in research participants for the purpose of population health screening. Participant phenotype was not available at the time of variant classification. Additional details can be found in publication PMID: 35346344, PMCID: PMC8962531

Color Diagnostics, LLC DBA Color Health
Classification: Likely benign for Tuberous sclerosis syndrome. Last evaluated: 2022-10-09. Review status: criteria provided, single submitter. Criteria: ACMG Guidelines, 2015. Collection method: clinical testing. Allele origin: germline.

Genome-Nilou Lab
Classification: Benign for Tuberous sclerosis 2. Last evaluated: 2021-11-07. Review status: criteria provided, single submitter. Criteria: ACMG Guidelines, 2015. Collection method: clinical testing. Allele origin: germline. Affected: no.

Ambry Genetics
Classification: Likely benign for Hereditary cancer-predisposing syndrome. Last evaluated: 2015-06-03. Review status: criteria provided, single submitter. Criteria: Ambry Variant Classification Scheme 2023. Collection method: clinical testing. Allele origin: germline.

NM_000548.5(TSC2):c.4440A>G (p.Leu1480=)

Gene: TSC2 (TSC complex subunit 2; plus strand). Cytogenetic location: 16p13.3.
Variant type: single nucleotide variant.
Coding change: c.4440A>G on transcript NM_000548.5 (MANE Select); coding-DNA position 4440, A replaced by G.
Protein change: p.Leu1480=; no amino-acid change (leucine 1480 retained).
Molecular consequence: synonymous variant.
Genome position (GRCh38, 1-based): chr16:2,084,662, A>G. VCF-style: chr16-2084662-A-G. GRCh37 (hg19) VCF-style: chr16-2134663-A-G.
Other names: c.4239A>G, p.Leu1413= (NM_001077183.3); c.4371A>G, p.Leu1457= (NM_001114382.3); c.4131A>G, p.Leu1377= (NM_001318827.2); c.4095A>G, p.Leu1365= (NM_001318829.2); c.3708A>G, p.Leu1236= (NM_001318831.2); c.4272A>G, p.Leu1424= (NM_001318832.2); c.4242A>G, p.Leu1414= (NM_001363528.2); c.4308A>G, p.Leu1436= (NM_001370404.1); and 2 more.
Identifiers: ClinVar variation 705748 (VCV000705748.20), dbSNP rs756991335, ClinGen allele CA051154.
Genomic context (GRCh38, chr16:2,084,662, plus strand): 5'-TTACACCATCTCCGACTCGGCCCCATCACGCAGGGGCAAGAGAGTAGAGAGGGACGCCTT[A>G]AAGAGCAGAGCCACAGCCTCCAATGCAGAGAAAGTGCCAGGCATCAACCCCAGGTGGGCC-3'
Protein context (NP_000539.2, residues 1470-1490): RRGKRVERDA[Leu1480=]KSRATASNAE